The following is an entry in ClinVar:

NM_000051.4(ATM):c.8349T>C (p.Asn2783=)

Genes: C11orf65 (chromosome 11 open reading frame 65; minus strand), ATM (ATM serine/threonine kinase; plus strand). Cytogenetic location: 11q22.3.
Variant type: single nucleotide variant.
Coding change: c.8349T>C on transcript NM_000051.4 (MANE Select); coding-DNA position 8349, T replaced by C.
Protein change: p.Asn2783=; no amino-acid change (asparagine 2783 retained).
Molecular consequence: synonymous variant. On other transcripts: intron variant (2).
Genome position (GRCh38, 1-based): chr11:108,343,302, T>C. VCF-style: chr11-108343302-T-C. GRCh37 (hg19) VCF-style: chr11-108214029-T-C.
Other names: c.8349T>C, p.Asn2783= (NM_001351834.2); c.641-34231A>G (NM_001330368.2); c.695-8010A>G (NM_001351110.2).
Identifiers: ClinVar variation 481103 (VCV000481103.8), dbSNP rs1555135681, ClinGen allele CA476672673.
Genomic context (GRCh38, chr11:108,343,302, plus strand): 5'-AAGTGGTGTTCTTGAATGGTGCACAGGAACTGTCCCCATTGGTGAATTTCTTGTTAACAA[T>C]GAAGATGGTGCTCATAAAAGATACAGGCCAAATGATTTCAGTGCCTTTCAGTGCCAAAAG-3'
Protein context (NP_000042.3, residues 2773-2793): TVPIGEFLVN[Asn2783=]EDGAHKRYRP

ClinVar aggregate classification (germline): Benign/Likely benign. Review status: criteria provided, multiple submitters, no conflicts (2 of 4 stars). 2 submissions from 2 submitters: Benign (1); Likely benign (1). Last evaluated 2024-06-19.

Conditions:
Hereditary cancer-predisposing syndrome. Also called: Neoplastic Syndromes, Hereditary; Hereditary Cancer Syndrome; Tumor predisposition; Hereditary neoplastic syndrome. Identifiers: Orphanet 140162, MedGen C0027672, MeSH D009386, MONDO:0015356.
Familial cancer of breast. Also called: Hereditary breast cancer; BREAST CANCER, FAMILIAL; hereditary breast carcinoma. Identifiers: Orphanet 227535, MedGen C0346153, MONDO:0016419, OMIM 114480. Disease mechanism: loss of function.

Submissions (2):

Myriad Genetics, Inc.
Classification: Benign for Familial cancer of breast. Last evaluated: 2024-06-19. Review status: criteria provided, single submitter. Criteria: Myriad Autosomal Dominant, Autosomal Recessive and X-Linked Classification Criteria (2023). Collection method: clinical testing. Allele origin: unknown.
Comment: This variant is considered benign. This variant is a silent/synonymous amino acid change and it is not expected to impact splicing.

Ambry Genetics
Classification: Likely benign for Hereditary cancer-predisposing syndrome. Last evaluated: 2016-11-04. Review status: criteria provided, single submitter. Criteria: Ambry Variant Classification Scheme 2023. Collection method: clinical testing. Allele origin: germline.